The following is an entry in ClinVar:

NM_000179.3(MSH6):c.885del (p.Val296fs)

Gene: MSH6 (mutS homolog 6; plus strand). Cytogenetic location: 2p16.3.
Variant type: Deletion.
Coding change: c.885del on transcript NM_000179.3 (MANE Select); coding-DNA position 885, one base deleted (A; older notation c.885delA).
Protein change: p.Val296fs; shifts the reading frame from valine 296.
Molecular consequence: frameshift variant. On other transcripts: 5 prime UTR variant (9), non-coding transcript variant (4), intron variant (1).
Genome position (GRCh38, 1-based): chr2:47,798,868, A deleted; the last of 3 consecutive A bases (chr2:47,798,866-47,798,868); deleting any one gives the same sequence. VCF-style (leftmost placement, unchanged base first): chr2-47798865-CA-C. GRCh37 (hg19) VCF-style: chr2-48026004-CA-C.
Other names: c.495del, p.Val166fs (NM_001281492.2); c.-22del (NM_001281493.2, NM_001281494.2, NM_001406811.1 and 6 more transcripts); c.981del, p.Val328fs (NM_001406795.1, NM_001406802.1); c.885del, p.Val296fs (NM_001406796.1, NM_001406798.1, NM_001406800.1 and 4 more transcripts); c.588del, p.Val197fs (NM_001406797.1, NM_001406801.1, NM_001406805.1 and 10 more transcripts); c.360del, p.Val121fs (NM_001406799.1, NM_001406806.1, NM_001406807.1); c.807del, p.Val270fs (NM_001406804.1); c.891del, p.Val298fs (NM_001406813.1); and 2 more; short protein forms V166fs, V270fs, V298fs, V328fs, V121fs, V197fs, V240fs, V296fs.
Identifiers: ClinVar variation 4728602 (VCV004728602.1).
Genomic context (GRCh38, chr2:47,798,865, plus strand): 5'-CAGTGATGAAATAAGCAGTGGAGTGGGGGATAGTGAGAGTGAAGGCCTGAACAGCCCTGT[CA>C]AAGTTGCTCGAAAGCGGAAGAGAATGGTGACTGGAAATGGCTCTCTTAAAAGGAAAAGCT-3'

ClinVar aggregate classification (germline): Pathogenic (1 of 4 stars; one submission).

Conditions:
Hereditary nonpolyposis colorectal neoplasms. Identifiers: MedGen C0009405, MeSH D003123.

Submission:

Labcorp Genetics (formerly Invitae), Labcorp
Classification: Pathogenic for Hereditary nonpolyposis colorectal neoplasms. Last evaluated: 2026-01-21. Review status: criteria provided, single submitter. Criteria: Invitae Variant Classification Sherloc (09022015). Collection method: clinical testing. Allele origin: germline.
Comment: This sequence change creates a premature translational stop signal (p.Val296Leufs*9) in the MSH6 gene. It is expected to result in an absent or disrupted protein product. Loss-of-function variants in MSH6 are known to be pathogenic (PMID: 18269114, 24362816). This variant is not present in population databases (gnomAD no frequency). This variant has not been reported in the literature in individuals affected with MSH6-related conditions. For these reasons, this variant has been classified as Pathogenic.

Literature cited by the submitters: PubMed 18269114; PubMed 24362816.